The following is an entry in ClinVar:

NM_001953.5(TYMP):c.398dup (p.Ala134fs)

Gene: TYMP (thymidine phosphorylase; minus strand). Cytogenetic location: 22q13.33.
Variant type: Duplication.
Coding change: c.398dup on transcript NM_001953.5 (MANE Select); coding-DNA position 398, one base duplicated (T; older notation c.398dupT).
Protein change: p.Ala134fs; shifts the reading frame from alanine 134.
Molecular consequence: frameshift variant.
Genome position (GRCh38, 1-based): chr22:50,529,155, A duplicated on the plus strand (T on the coding strand, the reverse complement: TYMP is on the minus strand). VCF-style (leftmost placement, unchanged base first): chr22-50529154-C-CA. GRCh37 (hg19) VCF-style: chr22-50967583-C-CA.
Other names: c.398dup, p.Ala134fs (NM_001113755.3, NM_001113756.3, NM_001257988.1 and 1 more transcripts); short protein forms A134fs.
Identifiers: ClinVar variation 5014582 (VCV005014582.1).

ClinVar aggregate classification (germline): Pathogenic (1 of 4 stars; one submission).

Conditions:
Mitochondrial DNA depletion syndrome 1. Also called: POLIP SYNDROME; POLYNEUROPATHY, OPHTHALMOPLEGIA, LEUKOENCEPHALOPATHY, AND INTESTINAL PSEUDOOBSTRUCTION; Mitochondrial Neurogastrointestinal Encephalopathy Disease; MITOCHONDRIAL NEUROGASTROINTESTINAL ENCEPHALOPATHY SYNDROME, TYMP-RELATED; MNGIE, TYMP-RELATED; Mitochondrial neurogastrointestinal encephalomyopathy syndrome. Identifiers: Orphanet 298, MedGen C4551995, MONDO:0011283, OMIM 603041.

Submission:

Myriad Genetics, Inc.
Classification: Pathogenic for Mitochondrial DNA depletion syndrome 1. Last evaluated: 2026-03-19. Review status: criteria provided, single submitter. Criteria: Myriad Autosomal Dominant, Autosomal Recessive and X-Linked Classification Criteria (2023). Collection method: clinical testing. Allele origin: unknown.
Comment: NM_001953.4(TYMP):c.398dupT(A134Gfs*24) is expected to be pathogenic in the context of mitochondrial neurogastrointestinal encephalopathy disease. This variant is predicted to lead to an abnormal or absent protein product due to the creation of a premature termination codon in TYMP, a gene where loss-of-function variants are known to be pathogenic. Please note: this variant was assessed in the context of healthy population screening.